The following is an entry in ClinVar:

ClinVar aggregate classification (germline): Conflicting classifications of pathogenicity. Review status: criteria provided, conflicting classifications (1 of 4 stars). 7 submissions from 7 submitters: Uncertain significance (2); Benign (1); Likely benign (1). 3 of the submissions do not count toward it. Last evaluated 2026-01-26.

Conditions:
Seckel syndrome 1 (SCKL1). Also called: MICROCEPHALIC PRIMORDIAL DWARFISM I. Identifiers: Orphanet 808, MedGen C4551474, MONDO:0008869, OMIM 210600.
ATR-related disorder. Also called: ATR-related condition.

Allele frequency attached by ClinVar (database versions not stated): 1000 Genomes Project 30x 0.00031; 1000 Genomes Project 0.00040; TOPMed 0.00082; gnomAD 0.00102 and 0.00104; gnomAD exomes 0.00109; ESP Exome Variant Server 0.00139; ExAC 0.00173.
gnomAD v4.1: 1,849 of 1,493,560 alleles (0.12%); highest among the groups gnomAD compares: Non-Finnish European, 0.15%; 2 homozygotes.

Submissions (7):

Labcorp Genetics (formerly Invitae), Labcorp
Classification: Benign. Last evaluated: 2026-01-26. Review status: criteria provided, single submitter. Criteria: Invitae Variant Classification Sherloc (09022015). Collection method: clinical testing. Allele origin: germline.

Blueprint Genetics
Classification: Likely benign. Last evaluated: 2024-11-11. Review status: criteria provided, single submitter. Criteria: ACMG Guidelines, 2015. Collection method: clinical testing. Allele origin: germline.

Illumina Laboratory Services, Illumina
Classification: Uncertain significance for Seckel syndrome 1. Last evaluated: 2017-04-27. Review status: criteria provided, single submitter. Criteria: ICSL Variant Classification Criteria 13 December 2019. Collection method: clinical testing. Allele origin: germline.
Comment: This variant was observed as part of a predisposition screen in an ostensibly healthy population. A literature search was performed for the gene, cDNA change, and amino acid change (where applicable). Publications were found based on this search. However, the evidence from the literature, in combination with allele frequency data from public databases where available, was not sufficient to rule this variant in or out of causing disease. Therefore, this variant is classified as a variant of unknown significance.

Genetic Services Laboratory, University of Chicago
Classification: Uncertain significance. Last evaluated: 2016-01-22. Review status: criteria provided, single submitter. Criteria: ACMG Guidelines, 2015. Collection method: clinical testing. Allele origin: germline. Affected: no.

PreventionGenetics, part of Exact Sciences
Classification: Likely benign for ATR-related condition. Last evaluated: 2019-09-05. Review status: no assertion criteria provided. Collection method: clinical testing. Allele origin: germline. Not counted in ClinVar's aggregate classification.
Comment: This variant is classified as likely benign based on ACMG/AMP sequence variant interpretation guidelines (Richards et al. 2015 PMID: 25741868, with internal and published modifications).

Clinical Genetics DNA and cytogenetics Diagnostics Lab, Erasmus MC, Erasmus Medical Center
Classification: Likely benign. Review status: no assertion criteria provided. Collection method: clinical testing. Allele origin: germline. Affected: yes. Study: VKGL Data-share Consensus. Not counted in ClinVar's aggregate classification.

Laboratory of Diagnostic Genome Analysis, Leiden University Medical Center (LUMC)
Classification: Likely benign. Review status: no assertion criteria provided. Collection method: clinical testing. Allele origin: germline. Affected: yes. Study: VKGL Data-share Consensus. Not counted in ClinVar's aggregate classification.

Literature cited by the submitters: PubMed 17010193 (cited by Illumina Laboratory Services, Illumina).

NM_001184.4(ATR):c.7041+8G>A

Gene: ATR (ATR checkpoint kinase; minus strand). Cytogenetic location: 3q23.
Variant type: single nucleotide variant.
Coding change: c.7041+8G>A on transcript NM_001184.4 (MANE Select); 8 bases into the intron after coding-DNA position 7041, G replaced by A.
Molecular consequence: intron variant.
Genome position (GRCh38, 1-based): chr3:142,465,089, C>T on the plus strand (G>A on the coding strand, the complement: ATR is on the minus strand). VCF-style: chr3-142465089-C-T. GRCh37 (hg19) VCF-style: chr3-142183931-C-T.
Other names: c.6849+8G>A (NM_001354579.2).
Identifiers: ClinVar variation 434449 (VCV000434449.24), dbSNP rs201106004, ClinGen allele CA2649222.